The following is an entry in ClinVar:

NM_000432.4(MYL2):c.221C>T (p.Pro74Leu)

Gene: MYL2 (myosin light chain 2; minus strand). Cytogenetic location: 12q24.11.
Variant type: single nucleotide variant.
Coding change: c.221C>T on transcript NM_000432.4 (MANE Select); coding-DNA position 221, C replaced by T.
Protein change: p.Pro74Leu; replaces proline 74 with leucine.
Molecular consequence: missense variant.
Genome position (GRCh38, 1-based): chr12:110,914,239, G>A on the plus strand (C>T on the coding strand, the complement: MYL2 is on the minus strand). VCF-style: chr12-110914239-G-A. GRCh37 (hg19) VCF-style: chr12-111352043-G-A.
Other names: short protein forms P74L.
Identifiers: ClinVar variation 918671 (VCV000918671.13), dbSNP rs942467544, ClinGen allele CA243562249.

ClinVar aggregate classification (germline): Uncertain significance. Review status: criteria provided, multiple submitters, no conflicts (2 of 4 stars). 4 submissions from 4 submitters: Uncertain significance (4). Last evaluated 2025-12-01.

Conditions:
Cardiomyopathy (CMYO). Also called: Cardiomyopathies. Identifiers: Orphanet 167848, MedGen C0878544, MONDO:0004994, HP:0001638. Inheritance: Various modes of inheritance.
Cardiovascular phenotype. Identifiers: MedGen CN230736.
Hypertrophic cardiomyopathy 10. Also called: CARDIOMYOPATHY, HYPERTROPHIC, MID-LEFT VENTRICULAR CHAMBER TYPE, 2; MYL2-Related Familial Hypertrophic Cardiomyopathy. Identifiers: MedGen C1834460, MONDO:0012112, OMIM 608758.
Hypertrophic cardiomyopathy. Also called: HYPERTROPHIC MYOCARDIOPATHY. Identifiers: Orphanet 217569, MedGen C0007194, MeSH D002312, MONDO:0005045, HP:0001639.

Allele frequency attached by ClinVar (database versions not stated): gnomAD exomes below 0.00001 and 0.00001; TOPMed below 0.00001; gnomAD 0.00001.
gnomAD v4.1: 20 of 1,613,734 alleles (0.0012%); highest among the groups gnomAD compares: South Asian, 0.0022%; no homozygotes.

Submissions (4):

Ambry Genetics
Classification: Uncertain significance for Cardiovascular phenotype. Last evaluated: 2025-12-01. Review status: criteria provided, single submitter. Criteria: Ambry Variant Classification Scheme 2023. Collection method: clinical testing. Allele origin: germline.
Comment: The p.P74L variant (also known as c.221C>T), located in coding exon 4 of the MYL2 gene, results from a C to T substitution at nucleotide position 221. The proline at codon 74 is replaced by leucine, an amino acid with similar properties. This variant was reported in individual(s) with features consistent with cardiomyopathy and left ventricular hypertrabeculation (Wang J et al. Eur J Heart Fail, 2014 Sep;16:950-7; Miszalski-Jamka K et al. Circ Cardiovasc Genet, 2017 Aug;10:; Tadros R et al. Nat Genet, 2021 Feb;53:128-134). This amino acid position is highly conserved in available vertebrate species. In addition, the in silico prediction for this alteration is inconclusive. Based on the available evidence, the clinical significance of this variant remains unclear.

Labcorp Genetics (formerly Invitae), Labcorp
Classification: Uncertain significance for Hypertrophic cardiomyopathy 10. Last evaluated: 2024-10-28. Review status: criteria provided, single submitter. Criteria: Invitae Variant Classification Sherloc (09022015). Collection method: clinical testing. Allele origin: germline.
Comment: This sequence change replaces proline, which is neutral and non-polar, with leucine, which is neutral and non-polar, at codon 74 of the MYL2 protein (p.Pro74Leu). This variant is present in population databases (no rsID available, gnomAD 0.002%). This missense change has been observed in individual(s) with clinical features of MYL2-related conditions (PMID: 25132132, 28798025, 37652022). ClinVar contains an entry for this variant (Variation ID: 918671). An algorithm developed to predict the effect of missense changes on protein structure and function (PolyPhen-2) suggests that this variant is likely to be tolerated. In summary, the available evidence is currently insufficient to determine the role of this variant in disease. Therefore, it has been classified as a Variant of Uncertain Significance.

All of Us Research Program, National Institutes of Health
Classification: Uncertain significance for Hypertrophic cardiomyopathy. Last evaluated: 2024-05-14. Review status: criteria provided, single submitter. Criteria: ACMG Guidelines, 2015. Collection method: clinical testing. Allele origin: germline. Inheritance: Autosomal dominant inheritance. Observed: 6 variant alleles, 6 heterozygotes.
Comment: This missense variant replaces proline with leucine at codon 74 of the MYL2 protein. Computational prediction suggests that this variant may have a deleterious impact on protein structure and function (internally defined REVEL score threshold >= 0.7, PMID: 27666373). To our knowledge, functional studies have not been reported for this variant. This variant has been reported in two individuals affected with hypertrophic cardiomyopathy (PMID: 25132132, 33495596). It has also been reported in an individual affected with left ventricular hypertrabeculation (PMID: 28798025). This variant has been identified in 3/282840 chromosomes in the general population by the Genome Aggregation Database (gnomAD). The available evidence is insufficient to determine the role of this variant in disease conclusively. Therefore, this variant is classified as a Variant of Uncertain Significance.

This study involves interpretation of variants in research participants for the purpose of population health screening. Participant phenotype was not available at the time of variant classification. Additional details can be found in publication PMID: 35346344, PMCID: PMC8962531

Color Diagnostics, LLC DBA Color Health
Classification: Uncertain significance for Cardiomyopathy. Last evaluated: 2023-06-22. Review status: criteria provided, single submitter. Criteria: ACMG Guidelines, 2015. Collection method: clinical testing. Allele origin: germline.
Comment: This missense variant replaces proline with leucine at codon 74 of the MYL2 protein. Computational prediction suggests that this variant may have a deleterious impact on protein structure and function (internally defined REVEL score threshold >= 0.7, PMID: 27666373). To our knowledge, functional studies have not been reported for this variant. This variant has been reported in two individuals affected with hypertrophic cardiomyopathy (PMID: 25132132, 33495596). It has also been reported in an individual affected with left ventricular hypertrabeculation (PMID: 28798025). This variant has been identified in 3/282840 chromosomes in the general population by the Genome Aggregation Database (gnomAD). The available evidence is insufficient to determine the role of this variant in disease conclusively. Therefore, this variant is classified as a Variant of Uncertain Significance.

Literature cited by the submitters: PubMed 25132132 (cited by 4 submitters); PubMed 28798025 (cited by 4 submitters); PubMed 33495596 (cited by 3 submitters); PubMed 37652022 (cited by Labcorp Genetics (formerly Invitae), Labcorp).